The following is an entry in ClinVar:

ClinVar aggregate classification (germline): Benign/Likely benign. Review status: criteria provided, multiple submitters, no conflicts (2 of 4 stars). 4 submissions from 4 submitters: Benign (1); Likely benign (3). Last evaluated 2025-08-07.

Conditions:
Hereditary cancer-predisposing syndrome. Also called: Hereditary neoplastic syndrome; Neoplastic Syndromes, Hereditary; Tumor predisposition; Hereditary Cancer Syndrome. Identifiers: Orphanet 140162, MedGen C0027672, MeSH D009386, MONDO:0015356.
Peutz-Jeghers syndrome (PJS). Also called: POLYPOSIS, HAMARTOMATOUS INTESTINAL; POLYPS-AND-SPOTS SYNDROME; Peutz-Jeghers polyposis; Periorificial lentiginosis syndrome. Identifiers: Orphanet 2869, MedGen C0031269, MeSH D010580, MONDO:0008280, OMIM 175200.

Allele frequency attached by ClinVar (database versions not stated): gnomAD exomes below 0.00001.
gnomAD v4.1: 1 of 1,613,948 alleles (0.000062%); highest among the groups gnomAD compares: South Asian, 0.0011%; no homozygotes.

Submissions (4):

Labcorp Genetics (formerly Invitae), Labcorp
Classification: Likely benign for Peutz-Jeghers syndrome. Last evaluated: 2025-08-07. Review status: criteria provided, single submitter. Criteria: Invitae Variant Classification Sherloc (09022015). Collection method: clinical testing. Allele origin: germline.

Color Diagnostics, LLC DBA Color Health
Classification: Likely benign for Hereditary cancer-predisposing syndrome. Last evaluated: 2025-06-29. Review status: criteria provided, single submitter. Criteria: ACMG Guidelines, 2015. Collection method: clinical testing. Allele origin: germline.

Myriad Genetics, Inc.
Classification: Benign for Peutz-Jeghers syndrome. Last evaluated: 2025-03-25. Review status: criteria provided, single submitter. Criteria: Myriad Autosomal Dominant, Autosomal Recessive and X-Linked Classification Criteria (2023). Collection method: clinical testing. Allele origin: unknown.
Comment: This variant is considered benign. This variant is a silent/synonymous amino acid change and it is not expected to impact splicing.

Ambry Genetics
Classification: Likely benign for Hereditary cancer-predisposing syndrome. Last evaluated: 2021-05-06. Review status: criteria provided, single submitter. Criteria: Ambry Variant Classification Scheme 2023. Collection method: clinical testing. Allele origin: germline.

NM_000455.5(STK11):c.171A>G (p.Glu57=)

Gene: STK11 (serine/threonine kinase 11; plus strand). Cytogenetic location: 19p13.3.
Variant type: single nucleotide variant.
Coding change: c.171A>G on transcript NM_000455.5 (MANE Select); coding-DNA position 171, A replaced by G.
Protein change: p.Glu57=; no amino-acid change (glutamic acid 57 retained).
Molecular consequence: synonymous variant.
Genome position (GRCh38, 1-based): chr19:1,207,084, A>G. VCF-style: chr19-1207084-A-G. GRCh37 (hg19) VCF-style: chr19-1207083-A-G.
Identifiers: ClinVar variation 412545 (VCV000412545.15), dbSNP rs1060503785, ClinGen allele CA16616009.
Genomic context (GRCh38, chr19:1,207,084, plus strand): 5'-GCCGCGCCGCAAGCGGGCCAAGCTCATCGGCAAGTACCTGATGGGGGACCTGCTGGGGGA[A>G]GGCTCTTACGGCAAGGTGAAGGAGGTGCTGGACTCGGAGACGCTGTGCAGGAGGGCCGTC-3'
Protein context (NP_000446.1, residues 47-67): GKYLMGDLLG[Glu57=]GSYGKVKEVL